The following is an entry in ClinVar:

NM_006721.4(ADK):c.66-24289G>A

Gene: ADK (adenosine kinase; plus strand). Cytogenetic location: 10q22.2.
Variant type: single nucleotide variant.
Coding change: c.66-24289G>A on transcript NM_006721.4 (MANE Select); 24289 bases into the intron before coding-DNA position 66, G replaced by A.
Molecular consequence: intron variant.
Genome position (GRCh38, 1-based): chr10:74,176,475, G>A. VCF-style: chr10-74176475-G-A. GRCh37 (hg19) VCF-style: chr10-75936233-G-A.
Other names: c.66-24289G>A (NM_001369123.1, NM_001202450.2).
Identifiers: ClinVar variation 879389 (VCV000879389.6), dbSNP rs571962706, ClinGen allele CA209838220.

ClinVar aggregate classification (germline): Likely benign (1 of 4 stars; one submission).

Conditions:
Adenosine kinase deficiency. Also called: Hypermethioninemia due to adenosine kinase deficiency; MENTAL RETARDATION, AUTOSOMAL RECESSIVE 8. Identifiers: Orphanet 289290, Orphanet 88616, MedGen C4706555, MONDO:0100255, OMIM 614300.

Allele frequency attached by ClinVar (database versions not stated): TOPMed 0.00005; gnomAD 0.00013 and 0.00001; 1000 Genomes Project 0.00060; 1000 Genomes Project 30x 0.00062.
gnomAD v4.1: 175 of 1,139,796 alleles (0.015%); highest among the groups gnomAD compares: South Asian, 0.39%; 5 homozygotes.

Submission:

Illumina Laboratory Services, Illumina
Classification: Likely benign for Adenosine kinase deficiency. Last evaluated: 2018-01-13. Review status: criteria provided, single submitter. Criteria: ICSL Variant Classification Criteria 13 December 2019. Collection method: clinical testing. Allele origin: germline.
Comment: This variant was observed in the ICSL laboratory as part of a predisposition screen in an ostensibly healthy population. It had not been previously curated by ICSL or reported in the Human Gene Mutation Database (HGMD: prior to June 1st, 2018), and was therefore a candidate for classification through an automated scoring system. Utilizing variant allele frequency, disease prevalence and penetrance estimates, and inheritance mode, an automated score was calculated to assess if this variant is too frequent to cause the disease. Based on the score and internal cut-off values, a variant classified as likely benign is not then subjected to further curation. The score for this variant resulted in a classification of likely benign for this disease.